The following is an entry in ClinVar:

NM_000170.3(GLDC):c.2029G>A (p.Asp677Asn)

Gene: GLDC (glycine decarboxylase; minus strand). Cytogenetic location: 9p24.1.
Variant type: single nucleotide variant.
Coding change: c.2029G>A on transcript NM_000170.3 (MANE Select); coding-DNA position 2029, G replaced by A.
Protein change: p.Asp677Asn; replaces aspartic acid 677 with asparagine.
Molecular consequence: missense variant.
Genome position (GRCh38, 1-based): chr9:6,558,582, C>T on the plus strand (G>A on the coding strand, the complement: GLDC is on the minus strand). VCF-style: chr9-6558582-C-T. GRCh37 (hg19) VCF-style: chr9-6558582-C-T.
Other names: short protein forms D677N.
Identifiers: ClinVar variation 1907734 (VCV001907734.2), dbSNP rs746744137, ClinGen allele CA4980438.
Genomic context (GRCh38, chr9:6,558,582, plus strand): 5'-CCCGGCCTCTCCCATCTGCTAAGGAGAAGACAAGTACCATGGCCTTGAGGTGAACTGCAT[C>T]GATATTCCCATATTTATCCACCTCCACAGGCTGAATCTTCATGCCTGCCATGTGGGCACT-3'
Protein context (NP_000161.2, residues 667-687): PVEVDKYGNI[Asp677Asn]AVHLKAMVDK

ClinVar aggregate classification (germline): Uncertain significance (1 of 4 stars; one submission).

Conditions:
Glycine encephalopathy. Also called: Non-ketotic hyperglycinemia; Nonketotic hyperglycinemia. Identifiers: Orphanet 407, MedGen C0751748, MONDO:0011612, HP:0008288.

Allele frequency attached by ClinVar (database versions not stated): ExAC 0.00001; TOPMed 0.00002; gnomAD 0.00003.
gnomAD v4.1: 12 of 1,614,066 alleles (0.00074%); highest among the groups gnomAD compares: African/African-American, 0.0013%; no homozygotes.

Submission:

Labcorp Genetics (formerly Invitae), Labcorp
Classification: Uncertain significance for Glycine encephalopathy. Last evaluated: 2022-07-17. Review status: criteria provided, single submitter. Criteria: Invitae Variant Classification Sherloc (09022015). Collection method: clinical testing. Allele origin: germline.
Comment: This sequence change replaces aspartic acid, which is acidic and polar, with asparagine, which is neutral and polar, at codon 677 of the GLDC protein (p.Asp677Asn). This variant is present in population databases (rs746744137, gnomAD 0.06%). This variant has not been reported in the literature in individuals affected with GLDC-related conditions. Algorithms developed to predict the effect of missense changes on protein structure and function are either unavailable or do not agree on the potential impact of this missense change (SIFT: "Tolerated"; PolyPhen-2: "Probably Damaging"; Align-GVGD: "Class C0"). In summary, the available evidence is currently insufficient to determine the role of this variant in disease. Therefore, it has been classified as a Variant of Uncertain Significance.